The following is an entry in ClinVar:

ClinVar aggregate classification (germline): Pathogenic. Review status: criteria provided, multiple submitters, no conflicts (2 of 4 stars). 6 submissions from 6 submitters: Pathogenic (6). Last evaluated 2026-07-20.

Conditions:
Inborn genetic diseases. Identifiers: MedGen C0950123, MeSH D030342.
Intellectual developmental disorder, autosomal dominant 30, with speech delay and behavioral abnormalities. Also called: Intellectual disability, autosomal dominant 30. Identifiers: Orphanet 436151, MedGen C4015167, MONDO:0014486, OMIM 616083.

Submissions (6):

GeneDx
Classification: Pathogenic. Last evaluated: 2026-07-20. Review status: criteria provided, single submitter. Criteria: GeneDx Variant Classification Process June 2021. Collection method: clinical testing. Allele origin: germline.
Comment: Nonsense variant predicted to result in protein truncation or nonsense mediated decay in a gene for which loss of function is a known mechanism of disease; Not observed at significant frequency in large population cohorts (gnomAD); This variant is associated with the following publications: (PMID: 35982159, 34216016, 33057194, 39843441)

Ambry Genetics
Classification: Pathogenic for Inborn genetic diseases. Last evaluated: 2026-06-25. Review status: criteria provided, single submitter. Criteria: Ambry Variant Classification Scheme 2023. Collection method: clinical testing. Allele origin: germline.
Comment: The c.22C>T (p.R8*) alteration, located in exon 2 (coding exon 1) of the ZMYND11 gene, consists of a C to T substitution at nucleotide position 22. This changes the amino acid from a arginine (R) to a stop codon at amino acid position 8. This variant is expected to result in loss of function by premature protein truncation or nonsense-mediated mRNA decay. This variant was not reported in population-based cohorts in the Genome Aggregation Database (gnomAD). This variant was determined to be de novo in at least one individual with features consistent with ZMYND11-related neurodevelopmental disorder (Oates, 2021). Based on the available evidence, this alteration is classified as pathogenic.

Labcorp Genetics (formerly Invitae), Labcorp
Classification: Pathogenic. Last evaluated: 2025-03-17. Review status: criteria provided, single submitter. Criteria: Invitae Variant Classification Sherloc (09022015). Collection method: clinical testing. Allele origin: germline.
Comment: This sequence change creates a premature translational stop signal (p.Arg8*) in the ZMYND11 gene. It is expected to result in an absent or disrupted protein product. Loss-of-function variants in ZMYND11 are known to be pathogenic (PMID: 25217958). This variant is not present in population databases (gnomAD no frequency). This premature translational stop signal has been observed in individual(s) with clinical features of ZMYND11-related conditions (PMID: 34216016). In at least one individual the variant was observed to be de novo. ClinVar contains an entry for this variant (Variation ID: 393552). For these reasons, this variant has been classified as Pathogenic.

3billion
Classification: Pathogenic for Intellectual developmental disorder, autosomal dominant 30, with speech delay and behavioral abnormalities. Last evaluated: 2022-03-22. Review status: criteria provided, single submitter. Criteria: ACMG Guidelines, 2015. Collection method: clinical testing. Allele origin: germline. Affected: yes. Observed: 1 heterozygote.
Comment: Stop-gained (nonsense): predicted to result in a loss or disruption of normal protein function through nonsense-mediated decay (NMD) or protein truncation. Multiple pathogenic variants are reported downstream of the variant.It is not observed in the gnomAD v2.1.1 dataset. The variant has been reported at least twice as pathogenic/likely pathogenic with clinical assertions and evidence for the classification (ClinVar ID: VCV000393552). Therefore, this variant is classified as pathogenic according to the recommendation of ACMG/AMP guideline.

Institute of Human Genetics, University of Leipzig Medical Center
Classification: Pathogenic for Intellectual developmental disorder, autosomal dominant 30, with speech delay and behavioral abnormalities. Last evaluated: 2021-04-13. Review status: criteria provided, single submitter. Criteria: ACMG Guidelines, 2015. Collection method: clinical testing. Allele origin: de novo. Inheritance: Sporadic. Affected: yes.
Comment: EEG: 3-3.5Hz generalised spike and wave. Neuropsych/development: Moderate LD, macrocephaly, speech delay, enuresis; normal CT head. Dysmorphism: Hypertelorism, broad forehead, flat nasal bridge, bilateral short fifth fingers, modified palmar crease

HudsonAlpha Institute for Biotechnology
Classification: Pathogenic for Intellectual developmental disorder, autosomal dominant 30, with speech delay and behavioral abnormalities. Last evaluated: 2017-02-09. Review status: criteria provided, single submitter. Criteria: HA_assertions_20161101. Collection method: research. Allele origin: de novo. Affected: yes. Observed: 1 variant allele. Study: CSER-HudsonAlpha.

Literature cited by the submitters: PubMed 34216016 (cited by Ambry Genetics and Labcorp Genetics (formerly Invitae), Labcorp); PubMed 25217958 (cited by Labcorp Genetics (formerly Invitae), Labcorp).

NM_001370100.5(ZMYND11):c.22C>T (p.Arg8Ter)

Gene: ZMYND11 (zinc finger MYND-type containing 11; plus strand). Cytogenetic location: 10p15.3.
Variant type: single nucleotide variant.
Coding change: c.22C>T on transcript NM_001370100.5 (MANE Select); coding-DNA position 22, C replaced by T.
Protein change: p.Arg8Ter; replaces arginine 8 with a stop codon.
Molecular consequence: nonsense. On other transcripts: 5 prime UTR variant (3), non-coding transcript variant (1), intron variant (5).
Genome position (GRCh38, 1-based): chr10:180,034, C>T. VCF-style: chr10-180034-C-T. GRCh37 (hg19) VCF-style: chr10-225974-C-T.
Other names: c.22C>T, p.Arg8Ter (NM_001202464.3, NM_001202465.3, NM_001202466.3 and 24 more transcripts); c.-125C>T (NM_001330057.3, NM_001370112.2, NM_001370123.2); c.-4-29855C>T (NM_001370118.2, NM_001370121.2); c.51-29855C>T (NM_001370116.2, NM_001370120.2); c.-34+45142C>T (NM_001370124.3); short protein forms R8*.
Identifiers: ClinVar variation 393552 (VCV000393552.12), dbSNP rs1060499626, ClinGen allele CA16609358.
Genomic context (GRCh38, chr10:180,034, plus strand): 5'-GTTTTTGTTTATTACTGCAGCTAAAGAAGTAAACAGGTCATGGCACGTTTAACAAAAAGA[C>T]GACAGGCGGATACAAAAGCTATCCAGCATCTTTGGGCAGCCATTGAGATTATACGGAACC-3'